The following is an entry in ClinVar:

NM_024408.4(NOTCH2):c.4759C>T (p.Leu1587Phe)

Gene: NOTCH2 (notch receptor 2; minus strand). Cytogenetic location: 1p12.
Variant type: single nucleotide variant.
Coding change: c.4759C>T on transcript NM_024408.4 (MANE Select); coding-DNA position 4759, C replaced by T.
Protein change: p.Leu1587Phe; replaces leucine 1587 with phenylalanine.
Molecular consequence: missense variant.
Genome position (GRCh38, 1-based): chr1:119,923,737, G>A on the plus strand (C>T on the coding strand, the complement: NOTCH2 is on the minus strand). VCF-style: chr1-119923737-G-A. GRCh37 (hg19) VCF-style: chr1-120466360-G-A.
Other names: short protein forms L1587F.
Identifiers: ClinVar variation 2705047 (VCV002705047.3), dbSNP rs1252006032, ClinGen allele CA341888726.

ClinVar aggregate classification (germline): Uncertain significance (1 of 4 stars; one submission).

Conditions:
Hajdu-Cheney syndrome (HJCYS). Also called: SERPENTINE FIBULA-POLYCYSTIC KIDNEY SYNDROME; Acroosteolysis dominant type; ACROOSTEOLYSIS WITH OSTEOPOROSIS AND CHANGES IN SKULL AND MANDIBLE. Identifiers: Orphanet 955, MedGen C0917715, MONDO:0007057, OMIM 102500.

Allele frequency attached by ClinVar (database versions not stated): gnomAD exomes below 0.00001; gnomAD 0.00001.
gnomAD v4.1: 2 of 1,614,082 alleles (0.00012%); highest among the groups gnomAD compares: Non-Finnish European, 0.00017%; no homozygotes.

Submission:

Labcorp Genetics (formerly Invitae), Labcorp
Classification: Uncertain significance for Hajdu-Cheney syndrome. Last evaluated: 2024-08-14. Review status: criteria provided, single submitter. Criteria: Invitae Variant Classification Sherloc (09022015). Collection method: clinical testing. Allele origin: germline.
Comment: This sequence change replaces leucine, which is neutral and non-polar, with phenylalanine, which is neutral and non-polar, at codon 1587 of the NOTCH2 protein (p.Leu1587Phe). This variant is present in population databases (no rsID available, gnomAD 0.002%). This variant has not been reported in the literature in individuals affected with NOTCH2-related conditions. Invitae Evidence Modeling of protein sequence and biophysical properties (such as structural, functional, and spatial information, amino acid conservation, physicochemical variation, residue mobility, and thermodynamic stability) indicates that this missense variant is not expected to disrupt NOTCH2 protein function with a negative predictive value of 80%. In summary, the available evidence is currently insufficient to determine the role of this variant in disease. Therefore, it has been classified as a Variant of Uncertain Significance.